The following is an entry in ClinVar:

ClinVar aggregate classification (germline): Uncertain significance. Review status: criteria provided, multiple submitters, no conflicts (2 of 4 stars). 3 submissions from 3 submitters: Uncertain significance (3). Last evaluated 2026-04-11.

Conditions:
Inborn genetic diseases. Identifiers: MedGen C0950123, MeSH D030342.
Junctional epidermolysis bullosa, non-Herlitz type. Also called: COL17A1-Related Junctional Epidermolysis Bullosa; Adult junctional epidermolysis bullosa; EPIDERMOLYSIS BULLOSA JUNCTIONALIS, DISENTIS TYPE; EPIDERMOLYSIS BULLOSA JUNCTIONALIS, NON-HERLITZ TYPE; EPIDERMOLYSIS BULLOSA JUNCTIONALIS, PROGRESSIVE; EPIDERMOLYSIS BULLOSA JUNCTIONALIS, SEVERE NONLETHAL. Identifiers: Orphanet 251393, Orphanet 79402, Orphanet 79405, Orphanet 89840, MedGen C0268374, MONDO:0009180, OMIM 226650.

Allele frequency attached by ClinVar (database versions not stated): gnomAD 0.00029 and 0.00028; ESP Exome Variant Server 0.00046; TOPMed 0.00026.
gnomAD v4.1: 767 of 1,613,754 alleles (0.048%); highest among the groups gnomAD compares: Non-Finnish European, 0.06%; no homozygotes.

Submissions (3):

Ambry Genetics
Classification: Uncertain significance for Inborn genetic diseases. Last evaluated: 2026-04-11. Review status: criteria provided, single submitter. Criteria: Ambry Variant Classification Scheme 2023. Collection method: clinical testing. Allele origin: germline.

GeneDx
Classification: Uncertain significance. Last evaluated: 2026-01-24. Review status: criteria provided, single submitter. Criteria: GeneDx Variant Classification Process June 2021. Collection method: clinical testing. Allele origin: germline. Affected: yes.
Comment: In silico analysis supports that this missense variant has a deleterious effect on protein structure/function; Has not been previously published as pathogenic or benign to our knowledge

Illumina Laboratory Services, Illumina
Classification: Uncertain significance for Junctional epidermolysis bullosa, non-Herlitz type. Last evaluated: 2018-01-12. Review status: criteria provided, single submitter. Criteria: ICSL Variant Classification Criteria 13 December 2019. Collection method: clinical testing. Allele origin: germline.

NM_000494.4(COL17A1):c.3452C>T (p.Pro1151Leu)

Gene: COL17A1 (collagen type XVII alpha 1 chain; minus strand). Cytogenetic location: 10q25.1.
Variant type: single nucleotide variant.
Coding change: c.3452C>T on transcript NM_000494.4 (MANE Select); coding-DNA position 3452, C replaced by T.
Protein change: p.Pro1151Leu; replaces proline 1151 with leucine.
Molecular consequence: missense variant.
Genome position (GRCh38, 1-based): chr10:104,035,530, G>A on the plus strand (C>T on the coding strand, the complement: COL17A1 is on the minus strand). VCF-style: chr10-104035530-G-A. GRCh37 (hg19) VCF-style: chr10-105795288-G-A.
Other names: short protein forms P1151L.
Identifiers: ClinVar variation 878180 (VCV000878180.9), dbSNP rs150968209, ClinGen allele CA5677964.
Genomic context (GRCh38, chr10:104,035,530, plus strand): 5'-TTACCTCGCAGCAAGGAGAGGAGCTCCTCATAGGAGGTTCCCGGCAAGCCAGGGGGCCCC[G>A]GGGGACCAGGAAGCCCAATGCTGATCCCAGAACCTAGGGAGGTGATGGATTCAGATCAGG-3'
Protein context (NP_000485.3, residues 1141-1161): SGISIGLPGP[Pro1151Leu]GPPGLPGTSY